The following is an entry in ClinVar:

ClinVar aggregate classification (germline): Uncertain significance (0 of 4 stars; one submission).

Conditions:
Prostate cancer. Also called: Malignant tumor of prostate. Identifiers: Orphanet 1331, MedGen C0376358, MONDO:0008315, HP:0012125.

Allele frequency attached by ClinVar (database versions not stated): gnomAD exomes 0.00001 and below 0.00001; TOPMed 0.00002; gnomAD 0.00001.
gnomAD v4.1: 4 of 1,325,536 alleles (0.0003%); highest among the groups gnomAD compares: Admixed American, 0.0067%; no homozygotes.

Submission:

Science for Life laboratory,  Karolinska Institutet
Classification: Uncertain significance for Malignant tumor of prostate. Review status: no assertion criteria provided. Collection method: not provided. Allele origin: somatic.
Comment: TumorID:SWE-11
ClinVar note: Converted during submission from Unknown to Uncertain significance.

NM_032383.5(HPS3):c.1509+6C>G

Gene: HPS3 (HPS3 biogenesis of lysosomal organelles complex 2 subunit 1; plus strand). Cytogenetic location: 3q24.
Variant type: single nucleotide variant.
Coding change: c.1509+6C>G on transcript NM_032383.5 (MANE Select); 6 bases into the intron after coding-DNA position 1509, C replaced by G.
Molecular consequence: intron variant.
Genome position (GRCh38, 1-based): chr3:149,155,221, C>G. VCF-style: chr3-149155221-C-G. GRCh37 (hg19) VCF-style: chr3-148873008-C-G.
Other names: c.1014+6C>G (NM_001308258.2).
Identifiers: ClinVar variation 161782 (VCV000161782.2), dbSNP rs193920800, ClinGen allele CA174775.